The following is an entry in ClinVar:

NM_000179.3(MSH6):c.2088T>C (p.Ile696=)

Gene: MSH6 (mutS homolog 6; plus strand). Cytogenetic location: 2p16.3.
Variant type: single nucleotide variant.
Coding change: c.2088T>C on transcript NM_000179.3 (MANE Select); coding-DNA position 2088, T replaced by C.
Protein change: p.Ile696=; no amino-acid change (isoleucine 696 retained).
Molecular consequence: synonymous variant. On other transcripts: non-coding transcript variant (5), intron variant (2).
Genome position (GRCh38, 1-based): chr2:47,800,071, T>C. VCF-style: chr2-47800071-T-C. GRCh37 (hg19) VCF-style: chr2-48027210-T-C.
Other names: c.1698T>C, p.Ile566= (NM_001281492.2); c.1182T>C, p.Ile394= (NM_001281493.2, NM_001281494.2, NM_001406811.1 and 6 more transcripts); c.2184T>C, p.Ile728= (NM_001406795.1, NM_001406802.1); c.2088T>C, p.Ile696= (NM_001406796.1, NM_001406798.1, NM_001406800.1 and 3 more transcripts); c.1791T>C, p.Ile597= (NM_001406797.1, NM_001406801.1, NM_001406805.1 and 10 more transcripts); c.1563T>C, p.Ile521= (NM_001406799.1, NM_001406806.1, NM_001406807.1); c.2010T>C, p.Ile670= (NM_001406804.1); c.2094T>C, p.Ile698= (NM_001406813.1); and 3 more.
Identifiers: ClinVar variation 1785678 (VCV001785678.8), dbSNP rs2104387995, ClinGen allele CA426121533.

ClinVar aggregate classification (germline): Benign/Likely benign. Review status: criteria provided, multiple submitters, no conflicts (2 of 4 stars). 3 submissions from 3 submitters: Benign (1); Likely benign (2). Last evaluated 2025-12-10.

Conditions:
Hereditary nonpolyposis colorectal neoplasms. Identifiers: MedGen C0009405, MeSH D003123.
Hereditary cancer-predisposing syndrome. Also called: Neoplastic Syndromes, Hereditary; Tumor predisposition; Hereditary Cancer Syndrome; Hereditary neoplastic syndrome. Identifiers: Orphanet 140162, MedGen C0027672, MeSH D009386, MONDO:0015356.
Lynch syndrome 5 (LYNCH5). Also called: Colorectal cancer, hereditary nonpolyposis, type 5; Hereditary non-polyposis colorectal cancer, type 5. Identifiers: Orphanet 144, MedGen C1833477, MONDO:0013710, OMIM 614350. Disease mechanism: loss of function.

Submissions (3):

Labcorp Genetics (formerly Invitae), Labcorp
Classification: Likely benign for Hereditary nonpolyposis colorectal neoplasms. Last evaluated: 2025-12-10. Review status: criteria provided, single submitter. Criteria: Invitae Variant Classification Sherloc (09022015). Collection method: clinical testing. Allele origin: germline.

Myriad Genetics, Inc.
Classification: Benign for Lynch syndrome 5. Last evaluated: 2024-12-30. Review status: criteria provided, single submitter. Criteria: Myriad Autosomal Dominant, Autosomal Recessive and X-Linked Classification Criteria (2023). Collection method: clinical testing. Allele origin: unknown.
Comment: This variant is considered benign. This variant is a silent/synonymous amino acid change and it is not expected to impact splicing.

Ambry Genetics
Classification: Likely benign for Hereditary cancer-predisposing syndrome. Last evaluated: 2017-07-27. Review status: criteria provided, single submitter. Criteria: Ambry Variant Classification Scheme 2023. Collection method: clinical testing. Allele origin: germline.